The following is an entry in ClinVar:

NM_000169.3(GLA):c.80del (p.Pro27fs)

Genes: GLA (galactosidase alpha; minus strand), RPL36A-HNRNPH2 (RPL36A-HNRNPH2 readthrough; plus strand). Cytogenetic location: Xq22.1.
Variant type: Deletion.
Coding change: c.80del on transcript NM_000169.3 (MANE Select); coding-DNA position 80, one base deleted (C; older notation c.80delC).
Protein change: p.Pro27fs; shifts the reading frame from proline 27.
Molecular consequence: frameshift variant. On other transcripts: non-coding transcript variant (3), intron variant (2).
Genome position (GRCh38, 1-based): chrX:101,407,824, G deleted on the plus strand (C on the coding strand, the reverse complement: GLA is on the minus strand); the first of 3 consecutive G bases (chrX:101,407,824-101,407,826); deleting any one gives the same sequence. VCF-style (leftmost placement, unchanged base first): chrX-101407823-AG-A. GRCh37 (hg19) VCF-style: chrX-100662811-AG-A.
Other names: c.80delC (NM_000169.2); c.80del (NM_000169.2); c.80del, p.Pro27fs (NM_001406747.1, NM_001406748.1, NM_001406749.1); c.301-4110del (NM_001199973.2); c.178-4110del (NM_001199974.2); short protein forms P27fs.
Identifiers: ClinVar variation 180845 (VCV000180845.10), dbSNP rs730880454, ClinGen allele CA022094.
Genomic context (GRCh38, chrX:101,407,823, plus strand): 5'-CCAGTGCAGCCAGCCCATGGTAGGCGTCCTTGCCAATCCATTGTCCAGTGCTCTAGCCCC[AG>A]GGATGTCCCAGGAAACGAGGGCCAGGAAGCGAAGCGCAAGCGCGCAGCCCAGATGTAGTT-3'

ClinVar aggregate classification (germline): Pathogenic/Likely pathogenic. Review status: criteria provided, multiple submitters, no conflicts (2 of 4 stars). 5 submissions from 5 submitters: Pathogenic (4); Likely pathogenic (1). Last evaluated 2024-06-04.

Conditions:
Cardiovascular phenotype. Identifiers: MedGen CN230736.
Fabry disease. Also called: Fabry's disease; HEREDITARY DYSTOPIC LIPIDOSIS; Angiokeratoma corporis diffusum; ALPHA-GALACTOSIDASE A DEFICIENCY; ANDERSON-FABRY DISEASE; CERAMIDE TRIHEXOSIDASE DEFICIENCY. Identifiers: Orphanet 324, MedGen C0002986, MONDO:0010526, OMIM 301500, HP:0001071. Disease mechanism: Fabry disease is due to inactivating mutations in the X-linked GLA gene resulting in deficiency of the enzyme Alpha Galactosidase-A., loss of function.

Submissions (5):

Revvity Omics, Revvity
Classification: Likely pathogenic. Last evaluated: 2024-06-04. Review status: criteria provided, single submitter. Criteria: ACMG Guidelines, 2015. Collection method: clinical testing. Allele origin: germline.

Genome-Nilou Lab
Classification: Pathogenic for Fabry disease. Last evaluated: 2021-07-15. Review status: criteria provided, single submitter. Criteria: ACMG Guidelines, 2015. Collection method: clinical testing. Allele origin: germline. Affected: no.

Ambry Genetics
Classification: Pathogenic for Cardiovascular phenotype. Last evaluated: 2018-10-08. Review status: criteria provided, single submitter. Criteria: Ambry Variant Classification Scheme 2023. Collection method: clinical testing. Allele origin: germline.
Comment: The c.80delC variant, located in coding exon 1 of the GLA gene, results from a deletion of one nucleotide at nucleotide position 80, causing a translational frameshift with a predicted alternate stop codon (p.P27Lfs*94). This alteration is expected to result in loss of function by premature protein truncation or nonsense-mediated mRNA decay. As such, this alteration is interpreted as a disease-causing mutation.

Eurofins Ntd Llc (ga)
Classification: Pathogenic. Last evaluated: 2014-07-29. Review status: criteria provided, single submitter. Criteria: EGL Classification Definitions 2015. Collection method: clinical testing. Allele origin: germline. Observed: 2 variant alleles, 1 heterozygote, 1 hemizygote.

GeneDx
Classification: Pathogenic. Last evaluated: 2013-02-12. Review status: criteria provided, single submitter. Criteria: GeneDx Variant Classification (06012015). Collection method: clinical testing. Allele origin: germline. Affected: yes.
Comment: Although the c.80delC mutation in the GLA gene has not been reported to our knowledge, this mutation causes a shift in reading frame starting at codon Proline 27, changing it to a Leucine, and creating a premature stop codon at position 94 of the new reading frame, denoted p.Pro27LeufsX94. This mutation is expected to result in either an abnormal, truncated protein product or loss of protein from this allele through nonsense-mediated mRNA decay. Other frameshift mutations in the GLA gene have been reported in association with Fabry disease. In summary, c.80delC in the GLA gene is interpreted as a disease-causing mutation. The variant is found in HCM panel(s).